The following is an entry in ClinVar:

NM_007294.4(BRCA1):c.2689C>T (p.Pro897Ser)

Gene: BRCA1 (BRCA1 DNA repair associated; minus strand). Cytogenetic location: 17q21.31.
Variant type: single nucleotide variant.
Coding change: c.2689C>T on transcript NM_007294.4 (MANE Select); coding-DNA position 2689, C replaced by T.
Protein change: p.Pro897Ser; replaces proline 897 with serine.
Molecular consequence: missense variant. On other transcripts: intron variant (137).
Genome position (GRCh38, 1-based): chr17:43,092,842, G>A on the plus strand (C>T on the coding strand, the complement: BRCA1 is on the minus strand). VCF-style: chr17-43092842-G-A. GRCh37 (hg19) VCF-style: chr17-41244859-G-A.
Other names: c.2479C>T, p.Pro827Ser (NM_001407900.1, NM_001407902.1, NM_001407904.1 and 13 more transcripts); c.2476C>T, p.Pro826Ser (NM_001407915.1, NM_001407916.1, NM_001407917.1 and 9 more transcripts); c.2566C>T, p.Pro856Ser (NM_001407919.1, NM_001407937.1, NM_001407938.1 and 19 more transcripts); c.2425C>T, p.Pro809Ser (NM_001407920.1, NM_001407921.1, NM_001407922.1 and 9 more transcripts); c.2422C>T, p.Pro808Ser (NM_001407930.1, NM_001407931.1, NM_001407932.1 and 2 more transcripts); c.2563C>T, p.Pro855Ser (NM_001407940.1, NM_001407941.1, NM_001407649.1 and 11 more transcripts); c.2548C>T, p.Pro850Ser (NM_001407942.1, NM_001407944.1, NM_001407945.1 and 29 more transcripts); c.2545C>T, p.Pro849Ser (NM_001407943.1, NM_001407964.1, NM_001407740.1 and 20 more transcripts); and 41 more; short protein forms P897S, P850S, P769S, P826S, P849S, P870S, P894S, P827S.
Identifiers: ClinVar variation 419883 (VCV000419883.12), dbSNP rs770583134, ClinGen allele CA10596620.

ClinVar aggregate classification (germline): Conflicting classifications of pathogenicity. Review status: criteria provided, conflicting classifications (1 of 4 stars). 4 submissions from 4 submitters: Uncertain significance (3); Likely benign (1). Last evaluated 2025-08-30.

Conditions:
Hereditary cancer-predisposing syndrome. Also called: Hereditary neoplastic syndrome; Tumor predisposition; Neoplastic Syndromes, Hereditary; Hereditary Cancer Syndrome. Identifiers: Orphanet 140162, MedGen C0027672, MeSH D009386, MONDO:0015356.
Hereditary breast ovarian cancer syndrome. Also called: Hereditary breast and ovarian cancer; Hereditary breast and/or ovarian cancer syndrome; Hereditary breast and ovarian cancer syndrome; Hereditary breast and ovarian cancer syndrome (HBOC); Breast and ovarian cancer; BRCA1- and BRCA2-Associated Hereditary Breast and Ovarian Cancer. Identifiers: Orphanet 145, MedGen C0677776, MeSH D061325, MONDO:0003582. Disease mechanism: loss of function.

Submissions (4):

Labcorp Genetics (formerly Invitae), Labcorp
Classification: Uncertain significance for Hereditary breast ovarian cancer syndrome. Last evaluated: 2025-08-30. Review status: criteria provided, single submitter. Criteria: Invitae Variant Classification Sherloc (09022015). Collection method: clinical testing. Allele origin: germline.
Comment: This sequence change replaces proline, which is neutral and non-polar, with serine, which is neutral and polar, at codon 897 of the BRCA1 protein (p.Pro897Ser). This variant is not present in population databases (gnomAD no frequency). This variant has not been reported in the literature in individuals affected with BRCA1-related conditions. ClinVar contains an entry for this variant (Variation ID: 419883). Invitae Evidence Modeling of protein sequence and biophysical properties (such as structural, functional, and spatial information, amino acid conservation, physicochemical variation, residue mobility, and thermodynamic stability) indicates that this missense variant is expected to disrupt BRCA1 protein function with a positive predictive value of 80%. In summary, the available evidence is currently insufficient to determine the role of this variant in disease. Therefore, it has been classified as a Variant of Uncertain Significance.

Ambry Genetics
Classification: Uncertain significance for Hereditary cancer-predisposing syndrome. Last evaluated: 2023-08-03. Review status: criteria provided, single submitter. Criteria: Ambry Variant Classification Scheme 2023. Collection method: clinical testing. Allele origin: germline.
Comment: The p.P897S variant (also known as c.2689C>T), located in coding exon 9 of the BRCA1 gene, results from a C to T substitution at nucleotide position 2689. The proline at codon 897 is replaced by serine, an amino acid with similar properties. This amino acid position is conserved. In addition, the in silico prediction for this alteration is inconclusive. Since supporting evidence is limited at this time, the clinical significance of this alteration remains unclear.

University of Washington Department of Laboratory Medicine, University of Washington
Classification: Likely benign for Hereditary cancer-predisposing syndrome. Last evaluated: 2023-03-23. Review status: criteria provided, single submitter. Criteria: Dines et al. (Genet Med. 2020). Collection method: curation. Allele origin: germline.
Comment: Missense variant in a coldspot region where missense variants are very unlikely to be pathogenic (PMID:31911673).

BRCA1 coldspot (exon 11 using historical exon numbering). Reclassification based on statistical prior probability

GeneDx
Classification: Uncertain significance. Last evaluated: 2015-09-25. Review status: criteria provided, single submitter. Criteria: GeneDx Variant Classification (06012015). Collection method: clinical testing. Allele origin: germline. Affected: yes.
Comment: This variant is denoted BRCA1 c.2689C>T at the cDNA level, p.Pro897Ser (P897S) at the protein level, and results in the change of a Proline to a Serine (CCA>TCA). Using alternate nomenclature, this variant would be defined as BRCA1 2808C>T. This variant has not, to our knowledge, been published in the literature as pathogenic or benign. BRCA1 Pro897Ser was not observed in approximately 6,500 individuals of European and African American ancestry in the NHLBI Exome Sequencing Project, indicating it is not a common benign variant in these populations. Since Proline and Serine differ in polarity, charge, size or other properties, this is considered a non-conservative amino acid substitution. BRCA1 Pro897Ser occurs at a position that is not conserved and is located in the DNA binding domain and a region known to interact with multiple proteins (Narod 2004, Paul 2014). In silico analyses are inconsistent regarding the effect this variant may have on protein structure and function. Based on currently available information, it is unclear whether BRCA1 Pro897Ser is pathogenic or benign. We consider it to be a variant of uncertain significance.